The following is an entry in ClinVar:

ClinVar aggregate classification (germline): Pathogenic (1 of 4 stars; one submission).

Conditions:
CHD7-related CHARGE syndrome. Identifiers: MedGen CN380413, MONDO:1010178, OMIM 214800.

Submission:

Molecular Genetics Laboratory, Motol Hospital
Classification: Pathogenic for CHD7-related CHARGE syndrome. Last evaluated: 2015-08-10. Review status: criteria provided, single submitter. Criteria: ACMG Guidelines, 2015. Collection method: clinical testing. Allele origin: de novo. Affected: yes. Observed: 1 variant allele.
Comment: Rare loss-of-function variants in the CHD7 gene are associated with autosomal dominant CHARGE syndrome (MIM:214800). Rare variant not present in the non-Finnish European poulation (gnomAD v4.1.0). The variant is classified as pathogenic.

NM_017780.4(CHD7):c.7157T>A (p.Leu2386Ter)

Gene: CHD7 (chromodomain helicase DNA binding protein 7; plus strand). Cytogenetic location: 8q12.2.
Variant type: single nucleotide variant.
Coding change: c.7157T>A on transcript NM_017780.4 (MANE Select); coding-DNA position 7157, T replaced by A.
Protein change: p.Leu2386Ter; replaces leucine 2386 with a stop codon.
Molecular consequence: nonsense. On other transcripts: intron variant (1).
Genome position (GRCh38, 1-based): chr8:60,856,195, T>A. VCF-style: chr8-60856195-T-A. GRCh37 (hg19) VCF-style: chr8-61768754-T-A.
Other names: c.1717-6034T>A (NM_001316690.1); short protein forms L2386*.
Identifiers: ClinVar variation 4819321 (VCV004819321.1).